The following is an entry in ClinVar:

NM_031935.3(HMCN1):c.11505C>G (p.Ile3835Met)

Gene: HMCN1 (hemicentin 1; plus strand). Cytogenetic location: 1q31.1.
Variant type: single nucleotide variant.
Coding change: c.11505C>G on transcript NM_031935.3 (MANE Select); coding-DNA position 11505, C replaced by G.
Protein change: p.Ile3835Met; replaces isoleucine 3835 with methionine.
Molecular consequence: missense variant.
Genome position (GRCh38, 1-based): chr1:186,115,358, C>G. VCF-style: chr1-186115358-C-G. GRCh37 (hg19) VCF-style: chr1-186084490-C-G.
Other names: c.11505C>G (NM_031935.2); short protein forms I3835M.
Identifiers: ClinVar variation 1946949 (VCV001946949.6), dbSNP rs1006203445, ClinGen allele CA33505711.

ClinVar aggregate classification (germline): Uncertain significance. Review status: criteria provided, multiple submitters, no conflicts (2 of 4 stars). 2 submissions from 2 submitters: Uncertain significance (2). Last evaluated 2024-01-04.

Allele frequency attached by ClinVar (database versions not stated): TOPMed 0.00002; gnomAD 0.00003.
gnomAD v4.1: 49 of 1,613,762 alleles (0.003%); highest among the groups gnomAD compares: Non-Finnish European, 0.004%; no homozygotes.

Submissions (2):

Ambry Genetics
Classification: Uncertain significance. Last evaluated: 2024-01-04. Review status: criteria provided, single submitter. Criteria: Ambry Variant Classification Scheme 2023. Collection method: clinical testing. Allele origin: germline.

Labcorp Genetics (formerly Invitae), Labcorp
Classification: Uncertain significance. Last evaluated: 2022-05-28. Review status: criteria provided, single submitter. Criteria: Invitae Variant Classification Sherloc (09022015). Collection method: clinical testing. Allele origin: germline.
Comment: In summary, the available evidence is currently insufficient to determine the role of this variant in disease. Therefore, it has been classified as a Variant of Uncertain Significance. Algorithms developed to predict the effect of missense changes on protein structure and function are either unavailable or do not agree on the potential impact of this missense change (SIFT: "Deleterious"; PolyPhen-2: "Possibly Damaging"; Align-GVGD: "Class C0"). This variant has not been reported in the literature in individuals affected with HMCN1-related conditions. This variant is present in population databases (no rsID available, gnomAD 0.002%). This sequence change replaces isoleucine, which is neutral and non-polar, with methionine, which is neutral and non-polar, at codon 3835 of the HMCN1 protein (p.Ile3835Met).